The following is an entry in ClinVar:

ClinVar aggregate classification (germline): Pathogenic (1 of 4 stars; one submission).

Conditions:
Myopathy caused by variation in FKTN. Identifiers: MedGen CN305638, MONDO:0700067.

Submission:

Myriad Genetics, Inc.
Classification: Pathogenic for Myopathy caused by variation in FKTN. Last evaluated: 2026-04-18. Review status: criteria provided, single submitter. Criteria: Myriad Autosomal Dominant, Autosomal Recessive and X-Linked Classification Criteria (2023). Collection method: clinical testing. Allele origin: unknown.
Comment: NM_001079802.1(FKTN):c.616C>T(Q206*) is expected to be pathogenic in the context of FKTN-related disorders. This variant is predicted to lead to an abnormal or absent protein product due to the creation of a premature termination codon in FKTN, a gene where loss-of-function variants are known to be pathogenic. Please note: this variant was assessed in the context of healthy population screening.

NM_001079802.2(FKTN):c.616C>T (p.Gln206Ter)

Gene: FKTN (fukutin; plus strand). Cytogenetic location: 9q31.2.
Variant type: single nucleotide variant.
Coding change: c.616C>T on transcript NM_001079802.2 (MANE Select); coding-DNA position 616, C replaced by T.
Protein change: p.Gln206Ter; replaces glutamine 206 with a stop codon.
Molecular consequence: nonsense. On other transcripts: non-coding transcript variant (2).
Genome position (GRCh38, 1-based): chr9:105,604,461, C>T. VCF-style: chr9-105604461-C-T. GRCh37 (hg19) VCF-style: chr9-108366742-C-T.
Other names: c.616C>T, p.Gln206Ter (NM_001198963.2, NM_001351496.2, NM_001351498.2 and 1 more transcripts); c.547C>T, p.Gln183Ter (NM_001351497.2); c.220C>T, p.Gln74Ter (NM_001351499.2, NM_001351500.2, NM_001351501.2 and 1 more transcripts); short protein forms Q183*, Q206*, Q74*.
Identifiers: ClinVar variation 5015809 (VCV005015809.1).